The following is an entry in ClinVar:

NM_001369.3(DNAH5):c.10917_10918dup (p.Ser3640fs)

Gene: DNAH5 (dynein axonemal heavy chain 5; minus strand). Cytogenetic location: 5p15.2.
Variant type: Duplication.
Coding change: c.10917_10918dup on transcript NM_001369.3 (MANE Select); coding-DNA positions 10917 to 10918, 2 bases duplicated (CA; older notation c.10917_10918dupCA).
Protein change: p.Ser3640fs; shifts the reading frame from serine 3640.
Molecular consequence: frameshift variant.
Genome position (GRCh38, 1-based): chr5:13,752,244-13,752,245, TG duplicated on the plus strand (CA on the coding strand, the reverse complement: DNAH5 is on the minus strand); duplicating any 2 consecutive bases within chr5:13,752,244-13,752,246 gives the same sequence; the c. name uses the placement nearest the transcript's 3' end. VCF-style (leftmost placement, unchanged base first): chr5-13752243-C-CTG. GRCh37 (hg19) VCF-style: chr5-13752352-C-CTG.
Other names: short protein forms S3640fs.
Identifiers: ClinVar variation 5014523 (VCV005014523.1).
Genomic context (GRCh38, chr5:13,752,243, plus strand): 5'-AGTGCTGGATCTAGTTCCTCTCCAACATCTTCAATAAGCAAAGGCCTTCCAAGAGAAAGG[C>CTG]TGTCTTCCAGGTGGTTTCTGAAGTACTTGTGATTTAAAGACGTGATCTAGGAACAGGATC-3'

ClinVar aggregate classification (germline): Pathogenic (1 of 4 stars; one submission).

Conditions:
Primary ciliary dyskinesia 3. Identifiers: Orphanet 244, MedGen C1837618, MONDO:0012085, OMIM 608644.

Submission:

Myriad Genetics, Inc.
Classification: Pathogenic for Primary ciliary dyskinesia 3. Last evaluated: 2025-05-27. Review status: criteria provided, single submitter. Criteria: Myriad Autosomal Dominant, Autosomal Recessive and X-Linked Classification Criteria (2023). Collection method: clinical testing. Allele origin: unknown.
Comment: NM_001369.2(DNAH5):c.10917_10918dupCA(S3640Tfs*18) is expected to be pathogenic in the context of primary ciliary dyskinesia, DNAH5-related. This variant is predicted to lead to an abnormal or absent protein product due to the creation of a premature termination codon in DNAH5, a gene where loss-of-function variants are known to be pathogenic. Please note: this variant was assessed in the context of healthy population screening.